The following is an entry in ClinVar:

ClinVar aggregate classification (germline): Uncertain significance (1 of 4 stars; one submission).

Conditions:
LHX3-related disorder. Also called: LHX3-related condition.

gnomAD v4.1: 2 of 1,613,608 alleles (0.00012%); highest among the groups gnomAD compares: Non-Finnish European, 0.000085%; no homozygotes.

Submission:

PreventionGenetics, part of Exact Sciences
Classification: Uncertain significance for LHX3-related condition. Last evaluated: 2026-01-30. Review status: criteria provided, single submitter. Criteria: ACMG Guidelines, 2015. Collection method: clinical testing. Allele origin: germline.
Comment: The LHX3 c.229C>G variant is predicted to result in the amino acid substitution p.Arg77Gly. To our knowledge, this variant has not been reported in the literature. This variant is reported in 0.00089% of alleles in individuals of European (Non-Finnish) descent in gnomAD. At this time, the clinical significance of this variant is uncertain due to the absence of conclusive functional and genetic evidence.

NM_178138.6(LHX3):c.214C>G (p.Arg72Gly)

Gene: LHX3 (LIM homeobox 3; minus strand). Cytogenetic location: 9q34.3.
Variant type: single nucleotide variant.
Coding change: c.214C>G on transcript NM_178138.6 (MANE Select); coding-DNA position 214, C replaced by G.
Protein change: p.Arg72Gly; replaces arginine 72 with glycine.
Molecular consequence: missense variant.
Genome position (GRCh38, 1-based): chr9:136,200,619, G>C on the plus strand (C>G on the coding strand, the complement: LHX3 is on the minus strand). VCF-style: chr9-136200619-G-C. GRCh37 (hg19) VCF-style: chr9-139092465-G-C.
Other names: c.181C>G, p.Arg61Gly (NM_001363746.1); c.229C>G, p.Arg77Gly (NM_014564.5); short protein forms R72G, R77G, R61G.
Identifiers: ClinVar variation 4977943 (VCV004977943.1).
Genomic context (GRCh38, chr9:136,200,619, plus strand): 5'-TGAGGTGAGGTTTCGGGGCTCACTTGAAAAAGTCGTCCTTGCAGTAAACGCTCTCCCCTC[G>C]GCTGAAGCAGCGCTCGGCCAGTGGCGTGTGGCAGTCGCTGCACTTGAGACACTTGCTGTG-3'
Protein context (NP_835258.1, residues 62-82): HTPLAERCFS[Arg72Gly]GESVYCKDDF